The following is an entry in ClinVar:

ClinVar aggregate classification (germline): Uncertain significance. Review status: criteria provided, multiple submitters, no conflicts (2 of 4 stars). 3 submissions from 3 submitters: Uncertain significance (3). Last evaluated 2025-12-15.

Allele frequency attached by ClinVar (database versions not stated): gnomAD 0.00003; gnomAD exomes 0.00003 and 0.00005; TOPMed 0.00004; ExAC 0.00005; ESP Exome Variant Server 0.00008.

Submissions (3):

Labcorp Genetics (formerly Invitae), Labcorp
Classification: Uncertain significance. Last evaluated: 2025-12-15. Review status: criteria provided, single submitter. Criteria: Invitae Variant Classification Sherloc (09022015). Collection method: clinical testing. Allele origin: germline.
Comment: This sequence change replaces arginine, which is basic and polar, with tryptophan, which is neutral and slightly polar, at codon 334 of the COL2A1 protein (p.Arg334Trp). This variant is present in population databases (rs372264296, gnomAD 0.01%). This variant has not been reported in the literature in individuals affected with COL2A1-related conditions. ClinVar contains an entry for this variant (Variation ID: 806874). Invitae Evidence Modeling of protein sequence and biophysical properties (such as structural, functional, and spatial information, amino acid conservation, physicochemical variation, residue mobility, and thermodynamic stability) has been performed for this missense variant. However, the output from this modeling did not meet the statistical confidence thresholds required to predict the impact of this variant on COL2A1 protein function. In summary, the available evidence is currently insufficient to determine the role of this variant in disease. Therefore, it has been classified as a Variant of Uncertain Significance.

GeneDx
Classification: Uncertain significance. Last evaluated: 2021-03-19. Review status: criteria provided, single submitter. Criteria: GeneDx Variant Classification Process June 2021. Collection method: clinical testing. Allele origin: germline. Affected: yes.
Comment: Has not been previously published as pathogenic or benign to our knowledge; In silico analysis, which includes protein predictors and evolutionary conservation, supports a deleterious effect; Occurs in the triple helical domain at the X position in the canonical Gly-X-Y repeat; although this variant may have an effect on normal protein folding and function, missense substitution at the X position is not a common mechanism of disease (Stenson et al., 2014); Reported in ClinVar as a variant of uncertain significance (ClinVar Variant ID# 806874; Landrum et al., 2016)

CeGaT Center for Human Genetics Tuebingen
Classification: Uncertain significance. Last evaluated: 2019-01-01. Review status: criteria provided, single submitter. Criteria: CeGaT Center For Human Genetics Tuebingen Variant Classification Criteria Version 2. Collection method: clinical testing. Allele origin: germline. Affected: yes. Observed: 1 variant allele.

NM_001844.5(COL2A1):c.1000C>T (p.Arg334Trp)

Gene: COL2A1 (collagen type II alpha 1 chain; minus strand). Cytogenetic location: 12q13.11.
Variant type: single nucleotide variant.
Coding change: c.1000C>T on transcript NM_001844.5 (MANE Select); coding-DNA position 1000, C replaced by T.
Protein change: p.Arg334Trp; replaces arginine 334 with tryptophan.
Molecular consequence: missense variant.
Genome position (GRCh38, 1-based): chr12:47,992,901, G>A on the plus strand (C>T on the coding strand, the complement: COL2A1 is on the minus strand). VCF-style: chr12-47992901-G-A. GRCh37 (hg19) VCF-style: chr12-48386684-G-A.
Other names: c.793C>T, p.Arg265Trp (NM_033150.3); short protein forms R334W, R265W.
Identifiers: ClinVar variation 806874 (VCV000806874.49), dbSNP rs372264296, ClinGen allele CA6535671.